The following is an entry in ClinVar:

ClinVar aggregate classification (germline): Likely benign (1 of 4 stars; one submission).

Allele frequency attached by ClinVar (database versions not stated): gnomAD 0.00896 and 0.00904; TOPMed 0.01057; 1000 Genomes Project 0.01797; 1000 Genomes Project 30x 0.01983.
gnomAD v4.1: 1,364 of 151,646 alleles (0.9%); highest among the groups gnomAD compares: East Asian, 3.3%; 19 homozygotes.

Submission:

GeneDx
Classification: Likely benign. Last evaluated: 2018-06-16. Review status: criteria provided, single submitter. Criteria: GeneDx Variant Classification (06012015). Collection method: clinical testing. Allele origin: germline. Affected: yes.
Comment: This variant is considered likely benign or benign based on one or more of the following criteria: it is a conservative change, it occurs at a poorly conserved position in the protein, it is predicted to be benign by multiple in silico algorithms, and/or has population frequency not consistent with disease.

NM_000540.3(RYR1):c.1440+199G>A

Gene: RYR1 (ryanodine receptor 1; plus strand). Cytogenetic location: 19q13.2.
Variant type: single nucleotide variant.
Coding change: c.1440+199G>A on transcript NM_000540.3 (MANE Select); 199 bases into the intron after coding-DNA position 1440, G replaced by A.
Molecular consequence: intron variant.
Genome position (GRCh38, 1-based): chr19:38,453,213, G>A. VCF-style: chr19-38453213-G-A. GRCh37 (hg19) VCF-style: chr19-38943853-G-A.
Other names: c.1440+199G>A (NM_001042723.2).
Identifiers: ClinVar variation 677414 (VCV000677414.1), dbSNP rs76785884, ClinGen allele CA308121144.